The following is an entry in ClinVar:

NM_001371986.1(UNC80):c.4997T>C (p.Leu1666Pro)

Gene: UNC80 (unc-80 subunit of NALCN channel complex; plus strand). Cytogenetic location: 2q34.
Variant type: single nucleotide variant.
Coding change: c.4997T>C on transcript NM_001371986.1 (MANE Select); coding-DNA position 4997, T replaced by C.
Protein change: p.Leu1666Pro; replaces leucine 1666 with proline.
Molecular consequence: missense variant.
Genome position (GRCh38, 1-based): chr2:209,913,908, T>C. VCF-style: chr2-209913908-T-C. GRCh37 (hg19) VCF-style: chr2-210778632-T-C.
Other names: c.4799T>C, p.Leu1600Pro (NM_032504.2); c.4784T>C, p.Leu1595Pro (NM_182587.4); short protein forms L1666P, L1595P, L1600P.
Identifiers: ClinVar variation 1937878 (VCV001937878.5), dbSNP rs2471119211, ClinGen allele CA350756978.
Genomic context (GRCh38, chr2:209,913,908, plus strand): 5'-CACCAATTCTGACAGAGGAGATGTACGGAGACATCCAGCCAGCTGCCTGGGAGCTCCTGC[T>C]CAGCATGGATGAGCACATGGCAGGGGCAGCAGGTAAAGAAAGACCACCTGGAACCCTGTG-3'
Protein context (NP_001358915.1, residues 1656-1676): DIQPAAWELL[Leu1666Pro]SMDEHMAGAA

ClinVar aggregate classification (germline): Uncertain significance (1 of 4 stars; one submission).

Submission:

Labcorp Genetics (formerly Invitae), Labcorp
Classification: Uncertain significance. Last evaluated: 2024-06-10. Review status: criteria provided, single submitter. Criteria: Invitae Variant Classification Sherloc (09022015). Collection method: clinical testing. Allele origin: germline.
Comment: This sequence change replaces leucine, which is neutral and non-polar, with proline, which is neutral and non-polar, at codon 1600 of the UNC80 protein (p.Leu1600Pro). This variant is not present in population databases (gnomAD no frequency). This variant has not been reported in the literature in individuals affected with UNC80-related conditions. ClinVar contains an entry for this variant (Variation ID: 1937878). Advanced modeling of protein sequence and biophysical properties (such as structural, functional, and spatial information, amino acid conservation, physicochemical variation, residue mobility, and thermodynamic stability) performed at Invitae indicates that this missense variant is not expected to disrupt UNC80 protein function with a negative predictive value of 80%. In summary, the available evidence is currently insufficient to determine the role of this variant in disease. Therefore, it has been classified as a Variant of Uncertain Significance.